The following is an entry in ClinVar:

NM_000264.5(PTCH1):c.1318A>G (p.Ile440Val)

Gene: PTCH1 (patched 1; minus strand). Cytogenetic location: 9q22.32.
Variant type: single nucleotide variant.
Coding change: c.1318A>G on transcript NM_000264.5 (MANE Select); coding-DNA position 1318, A replaced by G.
Protein change: p.Ile440Val; replaces isoleucine 440 with valine.
Molecular consequence: missense variant. On other transcripts: non-coding transcript variant (1).
Genome position (GRCh38, 1-based): chr9:95,478,084, T>C on the plus strand (A>G on the coding strand, the complement: PTCH1 is on the minus strand). VCF-style: chr9-95478084-T-C. GRCh37 (hg19) VCF-style: chr9-98240366-T-C.
Other names: c.1120A>G, p.Ile374Val (NM_001083602.3); c.1315A>G, p.Ile439Val (NM_001083603.3); c.865A>G, p.Ile289Val (NM_001083604.3, NM_001083605.3, NM_001083606.3 and 1 more transcripts); c.1318A>G, p.Ile440Val (NM_001354918.2); short protein forms I374V, I440V, I289V, I439V.
Identifiers: ClinVar variation 524546 (VCV000524546.16), dbSNP rs752530755, ClinGen allele CA5138703.

ClinVar aggregate classification (germline): Conflicting classifications of pathogenicity. Review status: criteria provided, conflicting classifications (1 of 4 stars). 3 submissions from 3 submitters: Uncertain significance (2); Likely benign (1). Last evaluated 2026-01-14.

Conditions:
Hereditary cancer-predisposing syndrome. Also called: Neoplastic Syndromes, Hereditary; Tumor predisposition; Hereditary Cancer Syndrome; Hereditary neoplastic syndrome. Identifiers: Orphanet 140162, MedGen C0027672, MeSH D009386, MONDO:0015356.
Gorlin syndrome. Also called: Nevoid Basal Cell Carcinoma Syndrome; Basal cell nevus syndrome. Identifiers: Orphanet 377, MedGen C0004779, MONDO:0007187.

Allele frequency attached by ClinVar (database versions not stated): gnomAD 0.00001; gnomAD exomes 0.00001 and 0.00002; ExAC 0.00002; TOPMed 0.00002.
gnomAD v4.1: 22 of 1,614,078 alleles (0.0014%); highest among the groups gnomAD compares: Non-Finnish European, 0.0019%; no homozygotes.

Submissions (3):

Labcorp Genetics (formerly Invitae), Labcorp
Classification: Likely benign for Gorlin syndrome. Last evaluated: 2026-01-14. Review status: criteria provided, single submitter. Criteria: Invitae Variant Classification Sherloc (09022015). Collection method: clinical testing. Allele origin: germline.

Ambry Genetics
Classification: Uncertain significance for Hereditary cancer-predisposing syndrome. Last evaluated: 2024-03-27. Review status: criteria provided, single submitter. Criteria: Ambry Variant Classification Scheme 2023. Collection method: clinical testing. Allele origin: germline.
Comment: The p.I440V variant (also known as c.1318A>G), located in coding exon 9 of the PTCH1 gene, results from an A to G substitution at nucleotide position 1318. The isoleucine at codon 440 is replaced by valine, an amino acid with highly similar properties. This amino acid position is highly conserved in available vertebrate species. In addition, the in silico prediction for this alteration is inconclusive. Since supporting evidence is limited at this time, the clinical significance of this alteration remains unclear.

GeneDx
Classification: Uncertain significance. Last evaluated: 2024-03-12. Review status: criteria provided, single submitter. Criteria: GeneDx Variant Classification Process June 2021. Collection method: clinical testing. Allele origin: germline. Affected: yes.
Comment: Not observed at significant frequency in large population cohorts (gnomAD); In silico analysis supports that this missense variant does not alter protein structure/function; This variant is associated with the following publications: (PMID: 11369205, 29212164)